The following is an entry in ClinVar:

NM_000528.4(MAN2B1):c.2152_2165+1dup

Gene: MAN2B1 (mannosidase alpha class 2B member 1; minus strand). Cytogenetic location: 19p13.13.
Variant type: Duplication.
Coding change: c.2152_2165+1dup on transcript NM_000528.4 (MANE Select); coding-DNA position 2152 through the canonical splice donor site of the intron after coding-DNA position 2165, 15 bases duplicated (CCGATACCTGTGGGG).
Molecular consequence: splice donor variant.
Genome position (GRCh38, 1-based): chr19:12,650,103-12,650,117, CCCCACAGGTATCGG duplicated on the plus strand (CCGATACCTGTGGGG on the coding strand, the reverse complement: MAN2B1 is on the minus strand); duplicating any 15 consecutive bases within chr19:12,650,103-12,650,123 gives the same sequence; the c. name uses the placement nearest the transcript's 3' end. VCF-style (leftmost placement, unchanged base first): chr19-12650102-A-ACCCCACAGGTATCGG. GRCh37 (hg19) VCF-style: chr19-12760916-A-ACCCCACAGGTATCGG.
Other names: c.2149_2162+1dup (NM_001173498.2).
Identifiers: ClinVar variation 2039078 (VCV002039078.4), dbSNP rs2023806568, ClinGen allele CA2580096692.

ClinVar aggregate classification (germline): Uncertain significance (1 of 4 stars; one submission).

Conditions:
Deficiency of alpha-mannosidase (MANSA). Also called: LYSOSOMAL ALPHA-D-MANNOSIDASE DEFICIENCY; Mannosidosis, alpha-, types I and II; Alpha-Mannosidosis. Identifiers: Orphanet 61, MedGen C0024748, MONDO:0009561, OMIM 248500.

Submission:

Labcorp Genetics (formerly Invitae), Labcorp
Classification: Uncertain significance for Deficiency of alpha-mannosidase. Last evaluated: 2024-01-24. Review status: criteria provided, single submitter. Criteria: Invitae Variant Classification Sherloc (09022015). Collection method: clinical testing. Allele origin: germline.
Comment: This variant, c.2146_2160dup, results in the insertion of 5 amino acid(s) of the MAN2B1 protein (p.Val716_Pro720dup), but otherwise preserves the integrity of the reading frame. This variant is not present in population databases (gnomAD no frequency). This variant has not been reported in the literature in individuals affected with MAN2B1-related conditions. This variant is also known as c.2152_2165+1dup. ClinVar contains an entry for this variant (Variation ID: 2039078). In summary, the available evidence is currently insufficient to determine the role of this variant in disease. Therefore, it has been classified as a Variant of Uncertain Significance.